The following is an entry in ClinVar:

ClinVar aggregate classification (germline): Pathogenic (1 of 4 stars; one submission).

Conditions:
Hereditary cancer-predisposing syndrome. Also called: Neoplastic Syndromes, Hereditary; Tumor predisposition; Hereditary Cancer Syndrome; Hereditary neoplastic syndrome. Identifiers: Orphanet 140162, MedGen C0027672, MeSH D009386, MONDO:0015356.

Submission:

Ambry Genetics
Classification: Pathogenic for Hereditary cancer-predisposing syndrome. Last evaluated: 2020-11-03. Review status: criteria provided, single submitter. Criteria: Ambry Variant Classification Scheme 2023. Collection method: clinical testing. Allele origin: germline.
Comment: The c.1920delA pathogenic mutation, located in coding exon 4 of the MSH6 gene, results from a deletion of one nucleotide at nucleotide position 1920, causing a translational frameshift with a predicted alternate stop codon (p.E641Nfs*7). This alteration is expected to result in loss of function by premature protein truncation or nonsense-mediated mRNA decay. As such, this alteration is interpreted as a disease-causing mutation.

NM_000179.3(MSH6):c.1920del (p.Glu641fs)

Gene: MSH6 (mutS homolog 6; plus strand). Cytogenetic location: 2p16.3.
Variant type: Deletion.
Coding change: c.1920del on transcript NM_000179.3 (MANE Select); coding-DNA position 1920, one base deleted (A; older notation c.1920delA).
Protein change: p.Glu641fs; shifts the reading frame from glutamic acid 641.
Molecular consequence: frameshift variant.
Genome position (GRCh38, 1-based): chr2:47,799,903, A deleted; the last of 2 consecutive A bases (chr2:47,799,902-47,799,903); deleting either gives the same sequence. VCF-style (leftmost placement, unchanged base first): chr2-47799901-GA-G. GRCh37 (hg19) VCF-style: chr2-48027040-GA-G.
Other names: c.1530del, p.Glu511fs (NM_001281492.2); c.1014del, p.Glu339fs (NM_001281493.2, NM_001281494.2); c.2016delA, p.Glu673Asnfs (NM_001406795.1, NM_001406802.1); c.1920delA, p.Glu641Asnfs (NM_001406796.1, NM_001406798.1, NM_001406800.1 and 3 more transcripts); c.1623delA, p.Glu542Asnfs (NM_001406797.1, NM_001406801.1, NM_001406805.1 and 10 more transcripts); c.1395delA, p.Glu466Asnfs (NM_001406799.1, NM_001406806.1, NM_001406807.1); c.1842delA, p.Glu615Asnfs (NM_001406804.1); c.1014delA, p.Glu339Asnfs (NM_001406811.1, NM_001406812.1, NM_001406814.1 and 4 more transcripts); and 2 more; short protein forms E641fs, E339fs, E511fs.
Identifiers: ClinVar variation 1782671 (VCV001782671.2), dbSNP rs2530638427, ClinGen allele CA2580067729.